The following is an entry in ClinVar:

ClinVar aggregate classification (germline): Uncertain significance (1 of 4 stars; one submission).

Conditions:
Congenital hyperammonemia, type I. Also called: Carbamoyl phosphate synthetase I deficiency disease; CPS I DEFICIENCY; Carbamoyl phosphate synthetase 1 deficiency; Hyperammonemia due to carbamoyl phosphate synthetase 1 deficiency; CPS 1 deficiency; Carbamyl phosphate synthetase (CPS) deficiency. Identifiers: Orphanet 147, MedGen C4082171, MONDO:0009376, OMIM 237300.

Submission:

Labcorp Genetics (formerly Invitae), Labcorp
Classification: Uncertain significance for Congenital hyperammonemia, type I. Last evaluated: 2026-01-05. Review status: criteria provided, single submitter. Criteria: Invitae Variant Classification Sherloc (09022015). Collection method: clinical testing. Allele origin: germline.
Comment: This sequence change replaces serine, which is neutral and polar, with isoleucine, which is neutral and non-polar, at codon 137 of the CPS1 protein (p.Ser137Ile). This variant is not present in population databases (gnomAD no frequency). This variant has not been reported in the literature in individuals affected with CPS1-related conditions. ClinVar contains an entry for this variant (Variation ID: 1396971). Invitae Evidence Modeling of protein sequence and biophysical properties (such as structural, functional, and spatial information, amino acid conservation, physicochemical variation, residue mobility, and thermodynamic stability) indicates that this missense variant is not expected to disrupt CPS1 protein function with a negative predictive value of 95%. In summary, the available evidence is currently insufficient to determine the role of this variant in disease. Therefore, it has been classified as a Variant of Uncertain Significance.

NM_001875.5(CPS1):c.410G>T (p.Ser137Ile)

Gene: CPS1 (carbamoyl-phosphate synthase 1; plus strand). Cytogenetic location: 2q34.
Variant type: single nucleotide variant.
Coding change: c.410G>T on transcript NM_001875.5 (MANE Select); coding-DNA position 410, G replaced by T.
Protein change: p.Ser137Ile; replaces serine 137 with isoleucine.
Molecular consequence: missense variant. On other transcripts: non-coding transcript variant (1).
Genome position (GRCh38, 1-based): chr2:210,577,449, G>T. VCF-style: chr2-210577449-G-T. GRCh37 (hg19) VCF-style: chr2-211442173-G-T.
Other names: c.410G>T, p.Ser137Ile (NM_001122633.3, NM_001369257.1); c.443G>T, p.Ser148Ile (NM_001369256.1); short protein forms S137I, S148I.
Identifiers: ClinVar variation 1396971 (VCV001396971.4), dbSNP rs2106081662, ClinGen allele CA350424806.
Genomic context (GRCh38, chr2:210,577,449, plus strand): 5'-AACCTCTTTAAAATGACTGTCTGTCTTTCTAGGTTTCAGGTTTGCTGGTGCTGGATTATA[G>T]TAAAGACTACAACCACTGGCTGGCTACCAAGAGTTTAGGGCAATGGCTACAGGAAGAAAA-3'
Protein context (NP_001866.2, residues 127-147): KVSGLLVLDY[Ser137Ile]KDYNHWLATK